The following is an entry in ClinVar:

ClinVar aggregate classification (germline): Uncertain significance. Review status: criteria provided, multiple submitters, no conflicts (2 of 4 stars). 3 submissions from 3 submitters: Uncertain significance (3). Last evaluated 2023-09-25.

Conditions:
Inborn genetic diseases. Identifiers: MedGen C0950123, MeSH D030342.
Exostoses, multiple, type 2 (EXT2). Also called: Hereditary Multiple Osteochondromatosis, Type II; EXOSTOSES, MULTIPLE, TYPE II. Identifiers: Orphanet 321, MedGen C1851413, MONDO:0007586, OMIM 133701.

Allele frequency attached by ClinVar (database versions not stated): gnomAD 0.00001; gnomAD exomes 0.00001; TOPMed 0.00001; ExAC 0.00002; ESP Exome Variant Server 0.00008.
gnomAD v4.1: 15 of 1,613,944 alleles (0.00093%); highest among the groups gnomAD compares: South Asian, 0.0099%; no homozygotes.

Submissions (3):

Labcorp Genetics (formerly Invitae), Labcorp
Classification: Uncertain significance for Exostoses, multiple, type 2. Last evaluated: 2023-09-25. Review status: criteria provided, single submitter. Criteria: Invitae Variant Classification Sherloc (09022015). Collection method: clinical testing. Allele origin: germline.
Comment: Advanced modeling of protein sequence and biophysical properties (such as structural, functional, and spatial information, amino acid conservation, physicochemical variation, residue mobility, and thermodynamic stability) performed at Invitae indicates that this missense variant is not expected to disrupt EXT2 protein function. This sequence change replaces valine, which is neutral and non-polar, with isoleucine, which is neutral and non-polar, at codon 488 of the EXT2 protein (p.Val488Ile). This variant is present in population databases (rs139153420, gnomAD 0.01%). This variant has not been reported in the literature in individuals affected with EXT2-related conditions. ClinVar contains an entry for this variant (Variation ID: 2154521). In summary, the available evidence is currently insufficient to determine the role of this variant in disease. Therefore, it has been classified as a Variant of Uncertain Significance.

Baylor Genetics
Classification: Uncertain significance for Exostoses, multiple, type 2. Last evaluated: 2023-08-28. Review status: criteria provided, single submitter. Criteria: ACMG Guidelines, 2015. Collection method: clinical testing. Allele origin: unknown.

Ambry Genetics
Classification: Uncertain significance for Inborn genetic diseases. Last evaluated: 2023-06-01. Review status: criteria provided, single submitter. Criteria: Ambry Variant Classification Scheme 2023. Collection method: clinical testing. Allele origin: germline.

NM_207122.2(EXT2):c.1462G>A (p.Val488Ile)

Genes: EXT2 (exostosin glycosyltransferase 2; plus strand), LOC126861201 (MED14-independent group 3 enhancer GRCh37_chr11:44218806-44220005; plus strand). Cytogenetic location: 11p11.2.
Variant type: single nucleotide variant.
Coding change: c.1462G>A on transcript NM_207122.2 (MANE Select); coding-DNA position 1462, G replaced by A.
Protein change: p.Val488Ile; replaces valine 488 with isoleucine.
Molecular consequence: missense variant.
Genome position (GRCh38, 1-based): chr11:44,197,985, G>A. VCF-style: chr11-44197985-G-A. GRCh37 (hg19) VCF-style: chr11-44219535-G-A.
Other names: c.1561G>A, p.Val521Ile (NM_000401.3); c.1492G>A, p.Val498Ile (NM_001178083.3); c.1462G>A, p.Val488Ile (NM_001389628.1, NM_001389630.1); short protein forms V498I, V521I, V488I.
Identifiers: ClinVar variation 2154521 (VCV002154521.7), dbSNP rs139153420, ClinGen allele CA5955266.